The following is an entry in ClinVar:

NM_006059.4(LAMC3):c.1866C>G (p.Pro622=)

Gene: LAMC3 (laminin subunit gamma 3; plus strand). Cytogenetic location: 9q34.12.
Variant type: single nucleotide variant.
Coding change: c.1866C>G on transcript NM_006059.4 (MANE Select); coding-DNA position 1866, C replaced by G.
Protein change: p.Pro622=; no amino-acid change (proline 622 retained).
Molecular consequence: synonymous variant.
Genome position (GRCh38, 1-based): chr9:131,052,892, C>G. VCF-style: chr9-131052892-C-G. GRCh37 (hg19) VCF-style: chr9-133928279-C-G.
Identifiers: ClinVar variation 391765 (VCV000391765.9), dbSNP rs537785027, ClinGen allele CA5287252.

ClinVar aggregate classification (germline): Likely benign. Review status: criteria provided, multiple submitters, no conflicts (2 of 4 stars). 2 submissions from 2 submitters: Likely benign (2). Last evaluated 2025-08-25.

Allele frequency attached by ClinVar (database versions not stated): ExAC 0.00001; gnomAD 0.00003 and 0.00004; TOPMed 0.00003; 1000 Genomes Project 30x 0.00016; 1000 Genomes Project 0.00020.
gnomAD v4.1: 8 of 1,614,022 alleles (0.0005%); highest among the groups gnomAD compares: African/African-American, 0.0067%; no homozygotes.

Submissions (2):

Labcorp Genetics (formerly Invitae), Labcorp
Classification: Likely benign. Last evaluated: 2025-08-25. Review status: criteria provided, single submitter. Criteria: Invitae Variant Classification Sherloc (09022015). Collection method: clinical testing. Allele origin: germline.

GeneDx
Classification: Likely benign. Last evaluated: 2016-12-14. Review status: criteria provided, single submitter. Criteria: GeneDx Variant Classification (06012015). Collection method: clinical testing. Allele origin: germline. Affected: yes.
Comment: This variant is considered likely benign or benign based on one or more of the following criteria: it is a conservative change, it occurs at a poorly conserved position in the protein, it is predicted to be benign by multiple in silico algorithms, and/or has population frequency not consistent with disease.